The following is an entry in ClinVar:

ClinVar aggregate classification (germline): Uncertain significance (1 of 4 stars; one submission).

Conditions:
Joubert syndrome 21 (JBTS21). Identifiers: MedGen C3810212, MONDO:0014288, OMIM 615636.

gnomAD v4.1: 2 of 1,613,976 alleles (0.00012%); highest among the groups gnomAD compares: East Asian, 0.0045%; no homozygotes.

Submission:

Labcorp Genetics (formerly Invitae), Labcorp
Classification: Uncertain significance for Joubert syndrome 21. Last evaluated: 2022-08-16. Review status: criteria provided, single submitter. Criteria: Invitae Variant Classification Sherloc (09022015). Collection method: clinical testing. Allele origin: germline.
Comment: In summary, the available evidence is currently insufficient to determine the role of this variant in disease. Therefore, it has been classified as a Variant of Uncertain Significance. Algorithms developed to predict the effect of missense changes on protein structure and function output the following: SIFT: "Deleterious"; PolyPhen-2: "Benign"; Align-GVGD: "Class C0". The cysteine amino acid residue is found in multiple mammalian species, which suggests that this missense change does not adversely affect protein function. ClinVar contains an entry for this variant (Variation ID: 1058458). This variant has not been reported in the literature in individuals affected with CSPP1-related conditions. This variant is present in population databases (no rsID available, gnomAD 0.01%). This sequence change replaces serine, which is neutral and polar, with cysteine, which is neutral and slightly polar, at codon 24 of the CSPP1 protein (p.Ser24Cys).

NM_001382391.1(CSPP1):c.-80C>G

Gene: CSPP1 (centrosome and spindle pole associated protein 1; plus strand). Cytogenetic location: 8q13.1.
Variant type: single nucleotide variant.
Coding change: c.-80C>G on transcript NM_001382391.1 (MANE Select); 80 bases upstream of the start codon, C replaced by G.
Molecular consequence: 5 prime UTR variant. On other transcripts: missense variant (3).
Genome position (GRCh38, 1-based): chr8:67,064,469, C>G. VCF-style: chr8-67064469-C-G. GRCh37 (hg19) VCF-style: chr8-67976704-C-G.
Other names: c.-80C>G (NM_001363131.2, NM_001363132.2, NM_001363133.2); c.71C>G, p.Ser24Cys (NM_001364869.1, NM_001364870.1, NM_024790.7); short protein forms S24C.
Identifiers: ClinVar variation 1058458 (VCV001058458.7), dbSNP rs745897839, ClinGen allele CA371208685.